The following is an entry in ClinVar:

NM_001384474.1(LOXHD1):c.4531-19C>T

Gene: LOXHD1 (lipoxygenase homology PLAT domains 1; minus strand). Cytogenetic location: 18q21.1.
Variant type: single nucleotide variant.
Coding change: c.4531-19C>T on transcript NM_001384474.1 (MANE Select); 19 bases into the intron before coding-DNA position 4531, C replaced by T.
Molecular consequence: intron variant.
Genome position (GRCh38, 1-based): chr18:46,524,936, G>A on the plus strand (C>T on the coding strand, the complement: LOXHD1 is on the minus strand). VCF-style: chr18-46524936-G-A. GRCh37 (hg19) VCF-style: chr18-44104899-G-A.
Other names: c.1198-19C>T (NM_001145472.3); c.910-19C>T (NM_001308013.2); c.4531-19C>T (NM_144612.7).
Identifiers: ClinVar variation 262521 (VCV000262521.13), dbSNP rs117403100, ClinGen allele CA8952331.
Genomic context (GRCh38, chr18:46,524,936, plus strand): 5'-GATGACGCCTAGGTCAGCGGCCTCGATGATGAAGGTGTCAGCCTGGGGAGCCCAGATGTG[G>A]GGACTCATATGGGGGTGTGCCACCCACTCAACCCACTCCAGCCCCACCCTTCTGGGACCT-3'

ClinVar aggregate classification (germline): Benign/Likely benign. Review status: criteria provided, multiple submitters, no conflicts (2 of 4 stars). 5 submissions from 5 submitters: Benign (3); Likely benign (2). Last evaluated 2026-02-04.

Conditions:
Autosomal recessive nonsyndromic hearing loss 77. Identifiers: Orphanet 90636, MedGen C2746083, MONDO:0013119, OMIM 613079.

Allele frequency attached by ClinVar (database versions not stated): 1000 Genomes Project 0.01558; TOPMed 0.02492; gnomAD 0.02599 and 0.02571; gnomAD exomes 0.03610 and 0.02876; 1000 Genomes Project 30x 0.01530; ESP Exome Variant Server 0.03088; ExAC 0.03572.
gnomAD v4.1: 54,372 of 1,551,238 alleles (3.5%); highest among the groups gnomAD compares: Non-Finnish European, 3.9%; 1,134 homozygotes.

Submissions (5):

Labcorp Genetics (formerly Invitae), Labcorp
Classification: Benign. Last evaluated: 2026-02-04. Review status: criteria provided, single submitter. Criteria: Invitae Variant Classification Sherloc (09022015). Collection method: clinical testing. Allele origin: germline.

Genome-Nilou Lab
Classification: Benign for Autosomal recessive nonsyndromic hearing loss 77. Last evaluated: 2021-07-10. Review status: criteria provided, single submitter. Criteria: ACMG Guidelines, 2015. Collection method: clinical testing. Allele origin: germline. Affected: no.

GeneDx
Classification: Likely benign. Last evaluated: 2018-06-16. Review status: criteria provided, single submitter. Criteria: GeneDx Variant Classification (06012015). Collection method: clinical testing. Allele origin: germline. Affected: yes.
Comment: This variant is considered likely benign or benign based on one or more of the following criteria: it is a conservative change, it occurs at a poorly conserved position in the protein, it is predicted to be benign by multiple in silico algorithms, and/or has population frequency not consistent with disease.

Breakthrough Genomics
Classification: Likely benign. Review status: criteria provided, single submitter. Criteria: ACMG Guidelines, 2015. Collection method: not provided. Allele origin: germline. Inheritance: Autosomal recessive inheritance. Affected: yes.

PreventionGenetics, part of Exact Sciences
Classification: Benign. Review status: criteria provided, single submitter. Criteria: ACMG Guidelines, 2015. Collection method: clinical testing. Allele origin: germline.